The following is an entry in ClinVar:

NM_000277.3(PAH):c.500A>G (p.Asn167Ser)

Gene: PAH (phenylalanine hydroxylase; minus strand). Cytogenetic location: 12q23.2.
Variant type: single nucleotide variant.
Coding change: c.500A>G on transcript NM_000277.3 (MANE Select); coding-DNA position 500, A replaced by G.
Protein change: p.Asn167Ser; replaces asparagine 167 with serine.
Molecular consequence: missense variant.
Genome position (GRCh38, 1-based): chr12:102,866,605, T>C on the plus strand (A>G on the coding strand, the complement: PAH is on the minus strand). VCF-style: chr12-102866605-T-C. GRCh37 (hg19) VCF-style: chr12-103260383-T-C.
Other names: NM_000277.2(PAH):c.500A>G; c.500A>G, p.Asn167Ser (NM_001354304.2); short protein forms N167S.
Identifiers: ClinVar variation 102703 (VCV000102703.17), dbSNP rs77554925, ClinGen allele CA229585.

ClinVar aggregate classification (germline): Uncertain significance. Review status: reviewed by expert panel (3 of 4 stars). 8 submissions from 8 submitters: Uncertain significance (1). 7 of the submissions do not count toward it. Last evaluated 2018-08-13.

Conditions:
Phenylketonuria (PKU). Also called: Phenylketonuria (PKU); FOLLING DISEASE; OLIGOPHRENIA PHENYLPYRUVICA; Phenylketonurias. Identifiers: Orphanet 716, MedGen C0031485, MONDO:0009861, OMIM 261600. Disease mechanism: loss of function.

Allele frequency attached by ClinVar (database versions not stated): TOPMed 0.00435; 1000 Genomes Project 0.00439; ESP Exome Variant Server 0.00554; 1000 Genomes Project 30x 0.00515.
gnomAD v4.1: 1,216 of 1,613,450 alleles (0.075%); highest among the groups gnomAD compares: African/African-American, 1.4%; 9 homozygotes.

Submissions (8):

ClinGen PAH Variant Curation Expert Panel
Classification: Uncertain significance for Phenylketonuria. Last evaluated: 2018-08-13. Review status: reviewed by expert panel. Criteria: ClinGen PAH ACMG Specifications v1. Collection method: curation. Allele origin: germline. Inheritance: Autosomal recessive inheritance.
Comment: PAH-specific ACMG/AMP criteria applied: PP4: N167S was observed in 1 case (genotype N167S/-) with benign persistent hyperphenylalaninemia (200-600 uM). (PMID:11385716); BS1: gnomAD MAF: 0.01461. In summary this variant meets criteria to be classified as uncertain significance for phenylketonuria in an autosomal recessive manner based on the ACMG/AMP criteria applied as specified by the PAH Expert Panel: (PP4, BS1).

Labcorp Genetics (formerly Invitae), Labcorp
Classification: Benign for Phenylketonuria. Last evaluated: 2026-02-04. Review status: criteria provided, single submitter. Criteria: Invitae Variant Classification Sherloc (09022015). Collection method: clinical testing. Allele origin: germline. Not counted in ClinVar's aggregate classification.

Blueprint Genetics
Classification: Likely benign. Last evaluated: 2024-09-13. Review status: criteria provided, single submitter. Criteria: ACMG Guidelines, 2015. Collection method: clinical testing. Allele origin: germline. Not counted in ClinVar's aggregate classification.

Mendelics
Classification: Benign for Phenylketonuria. Last evaluated: 2019-05-28. Review status: criteria provided, single submitter. Criteria: Mendelics Assertion Criteria 2017. Collection method: clinical testing. Allele origin: unknown. Not counted in ClinVar's aggregate classification.

Soonchunhyang University Bucheon Hospital, Soonchunhyang University Medical Center
Classification: Uncertain significance for Phenylketonuria. Last evaluated: 2016-03-18. Review status: criteria provided, single submitter. Criteria: ACMG Guidelines, 2015. Collection method: reference population. Allele origin: germline. Observed: 1 variant allele. Not counted in ClinVar's aggregate classification.

Natera, Inc.
Classification: Benign for Phenylketonuria. Last evaluated: 2020-01-11. Review status: no assertion criteria provided. Collection method: clinical testing. Allele origin: germline. Not counted in ClinVar's aggregate classification.

CSER _CC_NCGL, University of Washington
Classification: Likely benign for Phenylketonuria. Last evaluated: 2014-06-01. Review status: no assertion criteria provided. Collection method: research. Allele origin: germline. Inheritance: Autosomal recessive inheritance. Study: ESP 6500 variant annotation. Not counted in ClinVar's aggregate classification.
Comment: Variants classified for the Actionable exomic incidental findings in 6503 participants: challenges of variant classification manuscript

DeBelle Laboratory for Biochemical Genetics, MUHC/MCH RESEARCH INSTITUTE
No classification provided. Review status: no classification provided. Collection method: not provided. Allele origin: not provided. Not counted in ClinVar's aggregate classification.

Literature cited by the submitters: PubMed 11385716 (cited by ClinGen PAH Variant Curation Expert Panel and Soonchunhyang University Bucheon Hospital, Soonchunhyang University Medical Center).